The following is an entry in ClinVar:

NM_000094.4(COL7A1):c.3157G>A (p.Ala1053Thr)

Gene: COL7A1 (collagen type VII alpha 1 chain; minus strand). Cytogenetic location: 3p21.31.
Variant type: single nucleotide variant.
Coding change: c.3157G>A on transcript NM_000094.4 (MANE Select); coding-DNA position 3157, G replaced by A.
Protein change: p.Ala1053Thr; replaces alanine 1053 with threonine.
Molecular consequence: missense variant.
Genome position (GRCh38, 1-based): chr3:48,587,091, C>T on the plus strand (G>A on the coding strand, the complement: COL7A1 is on the minus strand). VCF-style: chr3-48587091-C-T. GRCh37 (hg19) VCF-style: chr3-48624524-C-T.
Other names: short protein forms A1053T.
Identifiers: ClinVar variation 2087669 (VCV002087669.4), dbSNP rs2531224892, ClinGen allele CA352709421.
Genomic context (GRCh38, chr3:48,587,091, plus strand): 5'-TCGTAGCCTCCGCACGGTGAGCATTGTCTTGAGTGGCATGTGGTAGGAACACCACATCCG[C>T]CAGGCCACGGGGGCACACTGTAGGAAGGGGAACAAGTTACTGAAGCGGGCAGCCCACCCA-3'
Protein context (NP_000085.1, residues 1043-1063): TQTPVCPRGL[Ala1053Thr]DVVFLPHATQ

ClinVar aggregate classification (germline): Uncertain significance (1 of 4 stars; one submission).

Submission:

Labcorp Genetics (formerly Invitae), Labcorp
Classification: Uncertain significance. Last evaluated: 2022-01-18. Review status: criteria provided, single submitter. Criteria: Invitae Variant Classification Sherloc (09022015). Collection method: clinical testing. Allele origin: germline.
Comment: This variant is not present in population databases (gnomAD no frequency). In summary, the available evidence is currently insufficient to determine the role of this variant in disease. Therefore, it has been classified as a Variant of Uncertain Significance. Advanced modeling of protein sequence and biophysical properties (such as structural, functional, and spatial information, amino acid conservation, physicochemical variation, residue mobility, and thermodynamic stability) performed at Invitae indicates that this missense variant is not expected to disrupt COL7A1 protein function. This variant has not been reported in the literature in individuals affected with COL7A1-related conditions. This sequence change replaces alanine, which is neutral and non-polar, with threonine, which is neutral and polar, at codon 1053 of the COL7A1 protein (p.Ala1053Thr).